The following is an entry in ClinVar:

ClinVar aggregate classification (germline): Benign (1 of 4 stars; one submission).

Allele frequency attached by ClinVar (database versions not stated): 1000 Genomes Project 30x 0.02249; 1000 Genomes Project 0.02256; TOPMed 0.03983; gnomAD 0.04510 and 0.04604.
gnomAD v4.1: 6,870 of 152,096 alleles (4.5%); highest among the groups gnomAD compares: Non-Finnish European, 7%; 244 homozygotes.

Submission:

GeneDx
Classification: Benign. Last evaluated: 2018-06-19. Review status: criteria provided, single submitter. Criteria: GeneDx Variant Classification (06012015). Collection method: clinical testing. Allele origin: germline. Affected: yes.
Comment: This variant is considered likely benign or benign based on one or more of the following criteria: it is a conservative change, it occurs at a poorly conserved position in the protein, it is predicted to be benign by multiple in silico algorithms, and/or has population frequency not consistent with disease.

NM_001851.6(COL9A1):c.1066-316C>A

Gene: COL9A1 (collagen type IX alpha 1 chain; minus strand). Cytogenetic location: 6q13.
Variant type: single nucleotide variant.
Coding change: c.1066-316C>A on transcript NM_001851.6 (MANE Select); 316 bases into the intron before coding-DNA position 1066, C replaced by A.
Molecular consequence: intron variant.
Genome position (GRCh38, 1-based): chr6:70,272,404, G>T on the plus strand (C>A on the coding strand, the complement: COL9A1 is on the minus strand). VCF-style: chr6-70272404-G-T. GRCh37 (hg19) VCF-style: chr6-70982107-G-T.
Other names: c.337-316C>A (NM_001377290.1, NM_078485.4, NM_001377289.1).
Identifiers: ClinVar variation 669447 (VCV000669447.1), dbSNP rs117607348, ClinGen allele CA12272083.